The following is an entry in ClinVar:

NM_004360.5(CDH1):c.1984G>A (p.Asp662Asn)

Gene: CDH1 (cadherin 1; plus strand). Cytogenetic location: 16q22.1.
Variant type: single nucleotide variant.
Coding change: c.1984G>A on transcript NM_004360.5 (MANE Select); coding-DNA position 1984, G replaced by A.
Protein change: p.Asp662Asn; replaces aspartic acid 662 with asparagine.
Molecular consequence: missense variant.
Genome position (GRCh38, 1-based): chr16:68,823,446, G>A. VCF-style: chr16-68823446-G-A. GRCh37 (hg19) VCF-style: chr16-68857349-G-A.
Other names: c.1984G>A (LRG_301t1); c.1801G>A, p.Asp601Asn (NM_001317184.2); c.436G>A, p.Asp146Asn (NM_001317185.2); c.19G>A, p.Asp7Asn (NM_001317186.2); short protein forms D7N, D601N, D146N, D662N.
Identifiers: ClinVar variation 648130 (VCV000648130.8), dbSNP rs1596965647, ClinGen allele CA396467598.

ClinVar aggregate classification (germline): Uncertain significance. Review status: criteria provided, multiple submitters, no conflicts (2 of 4 stars). 2 submissions from 2 submitters: Uncertain significance (2). Last evaluated 2026-09-14.

Conditions:
Hereditary diffuse gastric adenocarcinoma (HDGC). Also called: DIFFUSE GASTRIC AND LOBULAR BREAST CANCER SYNDROME. Identifiers: Orphanet 26106, MedGen C1708349, MONDO:0007648, OMIM 137215.
Hereditary cancer-predisposing syndrome. Also called: Neoplastic Syndromes, Hereditary; Hereditary Cancer Syndrome; Hereditary neoplastic syndrome; Tumor predisposition. Identifiers: Orphanet 140162, MedGen C0027672, MeSH D009386, MONDO:0015356.

Submissions (2):

Ambry Genetics
Classification: Uncertain significance for Hereditary cancer-predisposing syndrome. Last evaluated: 2026-09-14. Review status: criteria provided, single submitter. Criteria: Ambry Variant Classification Scheme 2023. Collection method: clinical testing. Allele origin: germline.
Comment: The p.D662N variant (also known as c.1984G>A), located in coding exon 13 of the CDH1 gene, results from a G to A substitution at nucleotide position 1984. The aspartic acid at codon 662 is replaced by asparagine, an amino acid with highly similar properties. This amino acid position is not well conserved in available vertebrate species. In addition, this alteration is predicted to be tolerated by in silico analysis. Based on the available evidence, the clinical significance of this variant remains unclear.

Labcorp Genetics (formerly Invitae), Labcorp
Classification: Uncertain significance for Hereditary diffuse gastric adenocarcinoma. Last evaluated: 2023-07-10. Review status: criteria provided, single submitter. Criteria: Invitae Variant Classification Sherloc (09022015). Collection method: clinical testing. Allele origin: germline.
Comment: In summary, the available evidence is currently insufficient to determine the role of this variant in disease. Therefore, it has been classified as a Variant of Uncertain Significance. An algorithm developed to predict the effect of missense changes on protein structure and function (PolyPhen-2) suggests that this variant is likely to be tolerated. ClinVar contains an entry for this variant (Variation ID: 648130). This variant has not been reported in the literature in individuals affected with CDH1-related conditions. This variant is not present in population databases (gnomAD no frequency). This sequence change replaces aspartic acid, which is acidic and polar, with asparagine, which is neutral and polar, at codon 662 of the CDH1 protein (p.Asp662Asn).